The following is an entry in ClinVar:

ClinVar aggregate classification (germline): Uncertain significance (1 of 4 stars; one submission).

Conditions:
Hereditary breast ovarian cancer syndrome. Also called: Hereditary breast and ovarian cancer syndrome; Hereditary breast and ovarian cancer syndrome (HBOC); BRCA1- and BRCA2-Associated Hereditary Breast and Ovarian Cancer; Hereditary breast and ovarian cancer; Breast and ovarian cancer; Hereditary breast and/or ovarian cancer syndrome. Identifiers: Orphanet 145, MedGen C0677776, MeSH D061325, MONDO:0003582. Disease mechanism: loss of function.

Submission:

Labcorp Genetics (formerly Invitae), Labcorp
Classification: Uncertain significance for Hereditary breast ovarian cancer syndrome. Last evaluated: 2024-08-10. Review status: criteria provided, single submitter. Criteria: Invitae Variant Classification Sherloc (09022015). Collection method: clinical testing. Allele origin: germline.
Comment: This sequence change replaces serine, which is neutral and polar, with isoleucine, which is neutral and non-polar, at codon 1674 of the BRCA2 protein (p.Ser1674Ile). This variant is not present in population databases (gnomAD no frequency). This variant has not been reported in the literature in individuals affected with BRCA2-related conditions. Advanced modeling of protein sequence and biophysical properties (such as structural, functional, and spatial information, amino acid conservation, physicochemical variation, residue mobility, and thermodynamic stability) performed at Invitae indicates that this missense variant is not expected to disrupt BRCA2 protein function with a negative predictive value of 95%. In summary, the available evidence is currently insufficient to determine the role of this variant in disease. Therefore, it has been classified as a Variant of Uncertain Significance.

NM_000059.4(BRCA2):c.5021G>T (p.Ser1674Ile)

Gene: BRCA2 (BRCA2 DNA repair associated; plus strand). Cytogenetic location: 13q13.1.
Variant type: single nucleotide variant.
Coding change: c.5021G>T on transcript NM_000059.4 (MANE Select); coding-DNA position 5021, G replaced by T.
Protein change: p.Ser1674Ile; replaces serine 1674 with isoleucine.
Molecular consequence: missense variant. On other transcripts: non-coding transcript variant (1), intron variant (2).
Genome position (GRCh38, 1-based): chr13:32,339,376, G>T. VCF-style: chr13-32339376-G-T. GRCh37 (hg19) VCF-style: chr13-32913513-G-T.
Other names: c.5021G>T, p.Ser1674Ile (NM_001406719.1, NM_001406720.1, NM_001432077.1); c.1910-5182G>T (NM_001406721.1); c.425-5182G>T (NM_001406722.1); short protein forms S1674I.
Identifiers: ClinVar variation 3636485 (VCV003636485.2).